The following is an entry in ClinVar:

ClinVar aggregate classification (germline): Uncertain significance (1 of 4 stars; one submission).

Conditions:
Cowden syndrome (CS). Also called: Cowden's disease; Cowden's syndrome; Cowden disease. Identifiers: Orphanet 201, MedGen C0018553, MONDO:0016063. Disease mechanism: gain of function.

Submission:

Labcorp Genetics (formerly Invitae), Labcorp
Classification: Uncertain significance for Cowden syndrome. Last evaluated: 2019-08-14. Review status: criteria provided, single submitter. Criteria: Invitae Variant Classification Sherloc (09022015). Collection method: clinical testing. Allele origin: germline.
Comment: This sequence change replaces valine with alanine at codon 483 of the PIK3CA protein (p.Val483Ala). The valine residue is weakly conserved and there is a small physicochemical difference between valine and alanine. This variant is not present in population databases (ExAC no frequency). This variant has not been reported in the literature in individuals with PIK3CA-related conditions. Algorithms developed to predict the effect of missense changes on protein structure and function (SIFT, PolyPhen-2, Align-GVGD) all suggest that this variant is likely to be tolerated, but these predictions have not been confirmed by published functional studies and their clinical significance is uncertain. In summary, the available evidence is currently insufficient to determine the role of this variant in disease. Therefore, it has been classified as a Variant of Uncertain Significance.

NM_006218.4(PIK3CA):c.1448T>C (p.Val483Ala)

Gene: PIK3CA (phosphatidylinositol-4,5-bisphosphate 3-kinase catalytic subunit alpha; plus strand). Cytogenetic location: 3q26.32.
Variant type: single nucleotide variant.
Coding change: c.1448T>C on transcript NM_006218.4 (MANE Select); coding-DNA position 1448, T replaced by C.
Protein change: p.Val483Ala; replaces valine 483 with alanine.
Molecular consequence: missense variant.
Genome position (GRCh38, 1-based): chr3:179,210,474, T>C. VCF-style: chr3-179210474-T-C. GRCh37 (hg19) VCF-style: chr3-178928262-T-C.
Other names: short protein forms V483A.
Identifiers: ClinVar variation 957162 (VCV000957162.10), dbSNP rs1724680844, ClinGen allele CA355262481.